The following is an entry in ClinVar:

NM_001204.7(BMPR2):c.2897G>A (p.Gly966Glu)

Gene: BMPR2 (bone morphogenetic protein receptor type 2; plus strand). Cytogenetic location: 2q33.2.
Variant type: single nucleotide variant.
Coding change: c.2897G>A on transcript NM_001204.7 (MANE Select); coding-DNA position 2897, G replaced by A.
Protein change: p.Gly966Glu; replaces glycine 966 with glutamic acid.
Molecular consequence: missense variant.
Genome position (GRCh38, 1-based): chr2:202,559,726, G>A. VCF-style: chr2-202559726-G-A. GRCh37 (hg19) VCF-style: chr2-203424449-G-A.
Other names: short protein forms G966E.
Identifiers: ClinVar variation 4867662 (VCV004867662.1).

ClinVar aggregate classification (germline): Uncertain significance (1 of 4 stars; one submission).

Conditions:
Inborn genetic diseases. Identifiers: MedGen C0950123, MeSH D030342.

gnomAD v4.1: 1 of 1,614,076 alleles (0.000062%); highest among the groups gnomAD compares: Non-Finnish European, 0.000085%; no homozygotes.

Submission:

Ambry Genetics
Classification: Uncertain significance for Inborn genetic diseases. Last evaluated: 2026-06-13. Review status: criteria provided, single submitter. Criteria: Ambry Variant Classification Scheme 2023. Collection method: clinical testing. Allele origin: germline.
Comment: The p.G966E variant (also known as c.2897G>A), located in coding exon 13 of the BMPR2 gene, results from a G to A substitution at nucleotide position 2897. The glycine at codon 966 is replaced by glutamic acid, an amino acid with similar properties. This amino acid position is conserved. In addition, this alteration is predicted to be deleterious by in silico analysis. Based on the available evidence, the clinical significance of this variant remains unclear.